The following is an entry in ClinVar:

ClinVar aggregate classification (germline): Uncertain significance. Review status: criteria provided, multiple submitters, no conflicts (2 of 4 stars). 2 submissions from 2 submitters: Uncertain significance (2). Last evaluated 2026-06-01.

gnomAD v4.1: 73 of 1,613,746 alleles (0.0045%); highest among the groups gnomAD compares: Middle Eastern, 0.016%; no homozygotes.

Submissions (2):

CeGaT Center for Human Genetics Tuebingen
Classification: Uncertain significance. Last evaluated: 2026-06-01. Review status: criteria provided, single submitter. Criteria: CeGaT Center For Human Genetics Tuebingen Variant Classification Criteria Version 2. Collection method: clinical testing. Allele origin: germline. Affected: yes. Observed: 1 variant allele.
Comment: DST: PM2, BP4

Dasa
Classification: Uncertain significance. Last evaluated: 2026-02-23. Review status: criteria provided, single submitter. Criteria: DASA Assertion Criteria. Collection method: clinical testing. Allele origin: germline.
Comment: NM_001374736.1(DST):c.5506A>G (p.Lys1836Glu) is a missense variant that results in the substitution of lysine with glutamic acid. This variant is rare in population databases. The currently available literature and clinical evidence are not sufficient to establish a definitive association between this variant and the reported condition. Therefore, this variant is classified as a variant of uncertain significance.

NM_001374736.1(DST):c.5506A>G (p.Lys1836Glu)

Gene: DST (dystonin; minus strand). Cytogenetic location: 6p12.1.
Variant type: single nucleotide variant.
Coding change: c.5506A>G on transcript NM_001374736.1 (MANE Select); coding-DNA position 5506, A replaced by G.
Protein change: p.Lys1836Glu; replaces lysine 1836 with glutamic acid.
Molecular consequence: missense variant. On other transcripts: intron variant (6).
Genome position (GRCh38, 1-based): chr6:56,609,122, T>C on the plus strand (A>G on the coding strand, the complement: DST is on the minus strand). VCF-style: chr6-56609122-T-C. GRCh37 (hg19) VCF-style: chr6-56473920-T-C.
Other names: c.5506A>G, p.Lys1836Glu (NM_001374722.1); c.4873A>G, p.Lys1625Glu (NM_001374729.1); c.5533A>G, p.Lys1845Glu (NM_001374734.1); c.5184+1305A>G (NM_001144769.5); c.4770+1305A>G (NM_001144770.2); c.4650+1305A>G (NM_001374730.1, NM_001386100.1, NM_183380.4); c.3672+1305A>G (NM_015548.5); short protein forms K1625E, K1836E, K1845E.
Identifiers: ClinVar variation 4872126 (VCV004872126.4).